The following is an entry in ClinVar:

ClinVar aggregate classification (germline): Pathogenic/Likely pathogenic. Review status: criteria provided, multiple submitters, no conflicts (2 of 4 stars). 4 submissions from 4 submitters: Pathogenic (3); Likely pathogenic (1). Last evaluated 2023-08-16.

Conditions:
Pontoneocerebellar hypoplasia. Also called: Pontocerebellar hypoplasia; Non-syndromic pontocerebellar hypoplasia. Identifiers: Orphanet 98523, MedGen C1261175, MONDO:0020135.
Pontocerebellar hypoplasia type 1B. Also called: EXOSC3 Pontocerebellar Hypoplasia. Identifiers: Orphanet 2254, MedGen C3553449, MONDO:0013853, OMIM 614678.

Allele frequency attached by ClinVar (database versions not stated): gnomAD 0.00001; gnomAD exomes 0.00001.

Submissions (4):

Women's Health and Genetics/Laboratory Corporation of America, LabCorp
Classification: Likely pathogenic for Pontoneocerebellar hypoplasia. Last evaluated: 2023-08-16. Review status: criteria provided, single submitter. Criteria: LabCorp Variant Classification Summary - May 2015. Collection method: clinical testing. Allele origin: germline.
Comment: Variant summary: EXOSC3 c.2T>C (p.Met1Thr) alters the initiation codon and is predicted to result either in absence of the protein or truncation of the encoded protein due to translation initiation at a downstream codon. Three of four in-silico tools predict a damaging effect of the variant on protein function. The next downstream in-frame ATG start site is at codon 178 (Exon 3). Other variants downstream of this start-loss variant but upstream of the potential new start codon have been classified as pathogenic in our laboratory and in ClinVar, and reported in association with Pontocerebellar hypoplasia in HGMD.The variant allele was found at a frequency of 8.7e-06 in 230894 control chromosomes (gnomAD). The available data on variant occurrences in the general population are insufficient to allow any conclusion about variant significance. c.2T>C has been reported in the literature in at least two compound heterozygous siblings affected with Pontocerebellar Hypoplasia, Type 1B (e.g., Rudnik-Schoneborn_2013). These data indicate that the variant is likely to be associated with disease. To our knowledge, no experimental evidence demonstrating an impact on protein function has been reported. The following publication was ascertained in the context of this evaluation (PMID: 23284067). Two submitters have reported clinical-significance assessments for this variant to ClinVar after 2014. All submitters classified the variant as pathogenic/likely pathogenic. Based on the evidence outlined above, the variant was classified as likely pathogenic.

Labcorp Genetics (formerly Invitae), Labcorp
Classification: Pathogenic for Pontocerebellar hypoplasia type 1B. Last evaluated: 2023-06-29. Review status: criteria provided, single submitter. Criteria: Invitae Variant Classification Sherloc (09022015). Collection method: clinical testing. Allele origin: germline.
Comment: For these reasons, this variant has been classified as Pathogenic. This variant disrupts a region of the EXOSC3 protein in which other variant(s) (p.Asp132Ala) have been determined to be pathogenic (PMID: 22544365, 23975261, 24524299, 25533962). This suggests that this is a clinically significant region of the protein, and that variants that disrupt it are likely to be disease-causing. ClinVar contains an entry for this variant (Variation ID: 932631). Disruption of the initiator codon has been observed in individual(s) with pontocerebellar hypoplasia (PMID: 23284067, 31980526). This variant is present in population databases (no rsID available, gnomAD 0.003%). This sequence change affects the initiator methionine of the EXOSC3 mRNA. The next in-frame methionine is located at codon 174.

GeneDx
Classification: Pathogenic. Last evaluated: 2022-11-16. Review status: criteria provided, single submitter. Criteria: GeneDx Variant Classification Process June 2021. Collection method: clinical testing. Allele origin: germline. Affected: yes.
Comment: Identified with another EXOSC3 variant, phase unknown, in an individual with feeding difficulties, respiratory failure, nystagmus, hypotonia, infantile spasm, cerebellar hypoplasia, and retrocerebellar cyst in the published literature (Rudnik-Schneborn et al., 2013); Initiation codon variant in a gene for which loss of function is a known mechanism of disease; Not observed at significant frequency in large population cohorts (gnomAD); This variant is associated with the following publications: (PMID: 23284067)

CeGaT Center for Human Genetics Tuebingen
Classification: Pathogenic. Last evaluated: 2020-06-01. Review status: criteria provided, single submitter. Criteria: CeGaT Center For Human Genetics Tuebingen Variant Classification Criteria Version 2. Collection method: clinical testing. Allele origin: germline. Affected: yes. Observed: 1 variant allele.

Literature cited by the submitters: PubMed 23284067 (cited by Women's Health and Genetics/Laboratory Corporation of America, LabCorp and Labcorp Genetics (formerly Invitae), Labcorp); PubMed 22544365 (cited by Labcorp Genetics (formerly Invitae), Labcorp); PubMed 23975261 (cited by Labcorp Genetics (formerly Invitae), Labcorp); PubMed 24524299 (cited by Labcorp Genetics (formerly Invitae), Labcorp); PubMed 25533962 (cited by Labcorp Genetics (formerly Invitae), Labcorp); PubMed 31980526 (cited by Labcorp Genetics (formerly Invitae), Labcorp).

NM_016042.4(EXOSC3):c.2T>C (p.Met1Thr)

Gene: EXOSC3 (exosome component 3; minus strand). Cytogenetic location: 9p13.2.
Variant type: single nucleotide variant.
Coding change: c.2T>C on transcript NM_016042.4 (MANE Select); coding-DNA position 2, T replaced by C.
Protein change: p.Met1Thr; changes the start codon (methionine 1).
Molecular consequence: missense variant, initiator codon variant.
Genome position (GRCh38, 1-based): chr9:37,785,043, A>G on the plus strand (T>C on the coding strand, the complement: EXOSC3 is on the minus strand). VCF-style: chr9-37785043-A-G. GRCh37 (hg19) VCF-style: chr9-37785040-A-G.
Other names: c.2T>C, p.Met1Thr (NM_001002269.2); c.2T>C (NM_016042.3); short protein forms M1T.
Identifiers: ClinVar variation 932631 (VCV000932631.45), dbSNP rs1325914775, ClinGen allele CA373476231.